The following is an entry in ClinVar:

ClinVar aggregate classification (germline): Uncertain significance (1 of 4 stars; one submission).

gnomAD v4.1: 156 of 1,613,188 alleles (0.0097%); highest among the groups gnomAD compares: Admixed American, 0.027%; no homozygotes.

Submission:

Labcorp Genetics (formerly Invitae), Labcorp
Classification: Uncertain significance. Last evaluated: 2024-10-22. Review status: criteria provided, single submitter. Criteria: Invitae Variant Classification Sherloc (09022015). Collection method: clinical testing. Allele origin: germline.
Comment: This sequence change replaces arginine, which is basic and polar, with histidine, which is basic and polar, at codon 2186 of the CELSR2 protein (p.Arg2186His). This variant is present in population databases (rs141644848, gnomAD 0.03%). This variant has not been reported in the literature in individuals affected with CELSR2-related conditions. Invitae Evidence Modeling of protein sequence and biophysical properties (such as structural, functional, and spatial information, amino acid conservation, physicochemical variation, residue mobility, and thermodynamic stability) indicates that this missense variant is not expected to disrupt CELSR2 protein function with a negative predictive value of 80%. In summary, the available evidence is currently insufficient to determine the role of this variant in disease. Therefore, it has been classified as a Variant of Uncertain Significance.

NM_001408.3(CELSR2):c.6557G>A (p.Arg2186His)

Gene: CELSR2 (cadherin EGF LAG seven-pass G-type receptor 2; plus strand). Cytogenetic location: 1p13.3.
Variant type: single nucleotide variant.
Coding change: c.6557G>A on transcript NM_001408.3 (MANE Select); coding-DNA position 6557, G replaced by A.
Protein change: p.Arg2186His; replaces arginine 2186 with histidine.
Molecular consequence: missense variant.
Genome position (GRCh38, 1-based): chr1:109,268,934, G>A. VCF-style: chr1-109268934-G-A. GRCh37 (hg19) VCF-style: chr1-109811556-G-A.
Other names: short protein forms R2186H.
Identifiers: ClinVar variation 3633664 (VCV003633664.2).